The following is an entry in ClinVar:

ClinVar aggregate classification (germline): Conflicting classifications of pathogenicity. Review status: criteria provided, conflicting classifications (1 of 4 stars). 3 submissions from 3 submitters: Uncertain significance (1); Likely benign (2). Last evaluated 2024-01-01.

Conditions:
Intellectual developmental disorder, autosomal dominant 1. Also called: MBD5 Haploinsufficiency; Intellectual disability, autosomal dominant 1. Identifiers: Orphanet 228402, MedGen C1969562, MONDO:0007974, OMIM 156200.

Allele frequency attached by ClinVar (database versions not stated): TOPMed 0.00004; ESP Exome Variant Server 0.00008; 1000 Genomes Project 30x 0.00016; 1000 Genomes Project 0.00020.

Submissions (3):

CeGaT Center for Human Genetics Tuebingen
Classification: Likely benign. Last evaluated: 2024-01-01. Review status: criteria provided, single submitter. Criteria: CeGaT Center For Human Genetics Tuebingen Variant Classification Criteria Version 2. Collection method: clinical testing. Allele origin: germline. Affected: yes. Observed: 1 variant allele.
Comment: MBD5: BP4, BP7

Labcorp Genetics (formerly Invitae), Labcorp
Classification: Likely benign for Intellectual developmental disorder, autosomal dominant 1. Last evaluated: 2021-02-17. Review status: criteria provided, single submitter. Criteria: Invitae Variant Classification Sherloc (09022015). Collection method: clinical testing. Allele origin: germline.

Eurofins Ntd Llc (ga)
Classification: Uncertain significance. Last evaluated: 2015-07-23. Review status: criteria provided, single submitter. Criteria: EGL Classification Definitions 2015. Collection method: clinical testing. Allele origin: germline. Observed: 1 variant allele, 1 heterozygote.

NM_001378120.1(MBD5):c.3603G>T (p.Ser1201=)

Gene: MBD5 (methyl-CpG binding domain protein 5; plus strand). Cytogenetic location: 2q23.1.
Variant type: single nucleotide variant.
Coding change: c.3603G>T on transcript NM_001378120.1 (MANE Select); coding-DNA position 3603, G replaced by T.
Protein change: p.Ser1201=; no amino-acid change (serine 1201 retained).
Molecular consequence: synonymous variant.
Genome position (GRCh38, 1-based): chr2:148,485,800, G>T. VCF-style: chr2-148485800-G-T. GRCh37 (hg19) VCF-style: chr2-149243369-G-T.
Other names: c.2904G>T, p.Ser968= (NM_018328.5).
Identifiers: ClinVar variation 282070 (VCV000282070.38), dbSNP rs138058889, ClinGen allele CA1900291.
Genomic context (GRCh38, chr2:148,485,800, plus strand): 5'-AGGTGATATGTCATCAATAAACAATACTTTGAGTAACCATCAACTGACTCATCTACAGTC[G>T]CTGTTAAACAACAATCAGATGTTTCCTCCAAATCAGCAACAGCAGCAACTTCTCCAGGGG-3'
Protein context (NP_001365049.1, residues 1191-1211): LSNHQLTHLQ[Ser1201=]LLNNNQMFPP